The following is an entry in ClinVar:

NM_015443.4(KANSL1):c.1522A>G (p.Thr508Ala)

Gene: KANSL1 (KAT8 regulatory NSL complex subunit 1). Cytogenetic location: 17q21.31.
Variant type: single nucleotide variant.
Coding change: c.1522A>G on transcript NM_015443.4 (MANE Select); coding-DNA position 1522, A replaced by G.
Protein change: p.Thr508Ala; replaces threonine 508 with alanine.
Molecular consequence: missense variant. On other transcripts: intron variant (4).
Genome position (GRCh38, 1-based): chr17:46,082,452, T>C on the plus strand (A>G on the coding strand, the complement: KANSL1 is on the minus strand). VCF-style: chr17-46082452-T-C. GRCh37 (hg19) VCF-style: chr17-44159818-T-C.
Other names: c.1522A>G, p.Thr508Ala (NM_001193465.2, NM_001193466.2, NM_001379198.1 and 14 more transcripts); c.256A>G, p.Thr86Ala (NM_001405882.1, NM_001405883.1, NM_001405884.1 and 1 more transcripts); c.1431+12108A>G (NM_001405881.1, NM_001405861.1, NM_001405859.1 and 1 more transcripts); short protein forms T508A, T86A.
Identifiers: ClinVar variation 3600394 (VCV003600394.1).

ClinVar aggregate classification (germline): Uncertain significance (1 of 4 stars; one submission).

Conditions:
Koolen-de Vries syndrome (KDVS). Identifiers: Orphanet 96169, MedGen C1864871, MONDO:0012496, OMIM 610443.

Submission:

Clinical Genomics Laboratory, Washington University in St. Louis
Classification: Uncertain significance for Koolen-de Vries syndrome. Last evaluated: 2024-06-18. Review status: criteria provided, single submitter. Criteria: ACMG Guidelines, 2015. Collection method: clinical testing. Allele origin: germline.
Comment: The KANSL1 c.1522A>G (p.Thr508Ala) variant, to our knowledge, has not been reported in the medical literature. This variant is absent from the general population (gnomAD v.2.1.1), indicating it is not a common variant. Computational predictors are benign as to the impact of this variant on KANSL1 function. Due to conflicting information, and based on ACMG/AMP guidelines for variant interpretation (Richards S et al., PMID: 25741868), the clinical significance of this variant is uncertain at this time.